The following is an entry in ClinVar:

ClinVar aggregate classification (germline): Pathogenic/Likely pathogenic. Review status: criteria provided, multiple submitters, no conflicts (2 of 4 stars). 9 submissions from 9 submitters: Pathogenic (7); Likely pathogenic (1). 1 of the submissions does not count toward it. Last evaluated 2025-08-09.

Conditions:
Muscular dystrophy-dystroglycanopathy (congenital with brain and eye anomalies), type A5. Also called: MUSCULAR DYSTROPHY-DYSTROGLYCANOPATHY (CONGENITAL WITH BRAIN AND EYE ANOMALIES), TYPE A, 5; WALKER-WARBURG SYNDROME OR MUSCLE-EYE-BRAIN DISEASE, FKRP-RELATED. Identifiers: Orphanet 588, Orphanet 899, MedGen C3150413, MONDO:0013157, OMIM 613153.
Muscular dystrophy-dystroglycanopathy type B5 (MDDGB5). Also called: MUSCULAR DYSTROPHY, CONGENITAL, 1C; MUSCULAR DYSTROPHY, CONGENITAL, FKRP-RELATED; MUSCULAR DYSTROPHY-DYSTROGLYCANOPATHY (CONGENITAL WITH OR WITHOUT IMPAIRED INTELLECTUAL DEVELOPMENT), TYPE B, 5. Identifiers: MedGen C1847759, MONDO:0011688, OMIM 606612.
Autosomal recessive limb-girdle muscular dystrophy type 2I. Also called: MUSCULAR DYSTROPHY, LIMB-GIRDLE, TYPE 2I; MUSCULAR DYSTROPHY-DYSTROGLYCANOPATHY (LIMB-GIRDLE), TYPE C, 5; MUSCULAR DYSTROPHY-DYSTROGLYCANOPATHY, LIMB-GIRDLE, FRKP-RELATED. Identifiers: Orphanet 34515, MedGen C1846672, MONDO:0011787, OMIM 607155.
Muscular dystrophy-dystroglycanopathy (congenital with brain and eye anomalies), type A1 (MDDGA1). Also called: WALKER-WARBURG SYNDROME OR MUSCLE-EYE-BRAIN DISEASE, POMT1-RELATED; Hydrocephalus, agyria and retinal dysplasia; Hard +/- E syndrome; Warburg syndrome; Chemke syndrome; Pagon syndrome. Identifiers: Orphanet 588, Orphanet 899, MedGen C4284790, MONDO:0009364, OMIM 236670.
Autosomal recessive limb-girdle muscular dystrophy. Identifiers: Orphanet 102015, MedGen C2931907, MONDO:0015152.
Walker-Warburg congenital muscular dystrophy. Also called: Muscular dystrophy-dystroglycanopathy, type A; Walker-Warburg syndrome. Identifiers: Orphanet 899, MedGen C0265221, MONDO:0000171.
Cardiovascular phenotype. Identifiers: MedGen CN230736.

gnomAD v4.1: 15 of 1,563,950 alleles (0.00096%); highest among the groups gnomAD compares: Non-Finnish European, 0.0013%; no homozygotes.

Submissions (9):

Natera, Inc.
Classification: Pathogenic for Limb-girdle muscular dystrophy type 2I. Last evaluated: 2025-08-09. Review status: criteria provided, single submitter. Criteria: Natera Variant Classification Schema (03/2026). Collection method: clinical testing. Allele origin: germline.
Comment: The c.928G>T variant in FKRP is a nonsense variant predicted to introduce a stop codon at amino acid 310. This variant is expected to result in nonsense mediated decay, truncation, or a dysfunctional protein product. This variant is rare in the general population with a frequency below the threshold expected for the associated phenotype(s). This variant has been observed in one or more individuals affected with the associated recessive disease, as either homozygous or compound heterozygous with a second variant (PMID: 12707425). Functional studies show that this variant may disrupt protein function (PMID: 20675713). Given the available evidence, this variant is classified as Pathogenic.

Ambry Genetics
Classification: Pathogenic for Cardiovascular phenotype. Last evaluated: 2025-06-17. Review status: criteria provided, single submitter. Criteria: Ambry Variant Classification Scheme 2023. Collection method: clinical testing. Allele origin: germline.
Comment: The p.E310* variant (also known as c.928G>T), located in coding exon 1 of the FKRP gene, results from a G to T substitution at nucleotide position 928. This changes the amino acid from a glutamic acid to a stop codon within coding exon 1. This alteration occurs at the 3' terminus of theFKRP gene, is not expected to trigger nonsense-mediated mRNA decay, and impacts the last 38% of the protein. However, premature stop codons are typically deleterious in nature and the impacted region is critical for protein function (Ambry internal data). This variant has been reported in compound heterozygotes from limb-girdle muscular dystrophy cohorts (Poppe M et al. Neurology, 2003 Apr;60:1246-51; Frosk P et al. Hum Mutat, 2005 Jan;25:38-44; Murphy LB et al. Ann Clin Transl Neurol, 2020 05;7:757-766). Other truncating alterations downstream have been observed in individuals with a personal and/or family history that is consistent with FKRP-related disease (Mercuri E et al. Arch. Neurol., 2006 Feb;63:251-7; Sveen ML et al. Ann Neurol, 2006 May;59:808-15). This variant is considered to be rare based on population cohorts in the Genome Aggregation Database (gnomAD). Based on the supporting evidence, this alteration is interpreted as a disease-causing mutation.

Labcorp Genetics (formerly Invitae), Labcorp
Classification: Pathogenic for Walker-Warburg congenital muscular dystrophy. Last evaluated: 2025-01-26. Review status: criteria provided, single submitter. Criteria: Invitae Variant Classification Sherloc (09022015). Collection method: clinical testing. Allele origin: germline.
Comment: This sequence change creates a premature translational stop signal (p.Glu310*) in the FKRP gene. While this is not anticipated to result in nonsense mediated decay, it is expected to disrupt the last 186 amino acid(s) of the FKRP protein. The frequency data for this variant in the population databases is considered unreliable, as metrics indicate poor data quality at this position in the gnomAD database. This premature translational stop signal has been observed in individuals with limb-girdle muscular dystrophy (PMID: 12707425, 15580560). ClinVar contains an entry for this variant (Variation ID: 550361). Algorithms developed to predict the effect of variants on gene product structure and function are not available or were not evaluated for this variant. Experimental studies have shown that this premature translational stop signal affects FKRP function (PMID: 23591631). This variant disrupts a region of the FKRP protein in which other variant(s) (p.Trp432*) have been determined to be pathogenic (internal data). This suggests that this is a clinically significant region of the protein, and that variants that disrupt it are likely to be disease-causing. For these reasons, this variant has been classified as Pathogenic.

GeneDx
Classification: Likely pathogenic. Last evaluated: 2024-07-03. Review status: criteria provided, single submitter. Criteria: GeneDx Variant Classification Process June 2021. Collection method: clinical testing. Allele origin: germline. Affected: yes.
Comment: Observed with a pathogenic variant in published literature but it unknown if these variants occurred in cis or in trans (PMID: 12707425); Not observed at significant frequency in large population cohorts (gnomAD); Nonsense variant predicted to result in protein truncation, as the last 186 amino acids are lost, and other loss-of-function variants have been reported downstream in HGMD.; This variant is associated with the following publications: (PMID: 19900540, 23591631, 15580560, 12707425)

Baylor Genetics
Classification: Pathogenic for Muscular dystrophy-dystroglycanopathy (congenital with brain and eye anomalies), type A5. Last evaluated: 2023-11-15. Review status: criteria provided, single submitter. Criteria: ACMG Guidelines, 2015. Collection method: clinical testing. Allele origin: unknown.

Women's Health and Genetics/Laboratory Corporation of America, LabCorp
Classification: Pathogenic for Autosomal recessive limb-girdle muscular dystrophy. Last evaluated: 2023-03-31. Review status: criteria provided, single submitter. Criteria: LabCorp Variant Classification Summary - May 2015. Collection method: clinical testing. Allele origin: germline.
Comment: Variant summary: FKRP c.928G>T (p.Glu310X) results in a premature termination codon and is predicted to cause a truncation of the encoded protein, which is a commonly known mechanism for disease. Although the variant is not expected to cause absense of the protein through nonsense mediated decay, the variant disrupts the last 186 amino acids in the protein sequence. Truncations downstream of this position have been classified as pathogenic within ClinVar (e.g. c.948del [p.Cys317fs], c.1027G>T [p.Glu343Ter]). The variant allele was found at a frequency of 2.5e-05 in 159598 control chromosomes (gnomAD). c.928G>T has been reported in the literature as a biallelic genotype in individuals affected with Limb-Girdle Muscular Dystrophy, Autosomal Recessive (e.g. Poppe_2003, Frosk_2005, Sframeli_2017). These data indicate that the variant may be associated with disease. Experimental evidence confirms the variant results in loss-of-function: homozygous knock-in of the variant human gene in a mouse model of disease was embryonically lethal (Blaeser_2013), despite evidence that the variant does not impact protein production or secretion (Lu_2010). Six ClinVar submitters have assessed the variant since 2014: one classified the variant as likely pathogenic, and five as pathogenic. Based on the evidence outlined above, the variant was classified as pathogenic.

Fulgent Genetics
Classification: Pathogenic for Muscular dystrophy-dystroglycanopathy (congenital with brain and eye anomalies), type A1; Muscular dystrophy-dystroglycanopathy type B5; Autosomal recessive limb-girdle muscular dystrophy type 2I; Muscular dystrophy-dystroglycanopathy (congenital with brain and eye anomalies), type A5. Last evaluated: 2021-07-12. Review status: criteria provided, single submitter. Criteria: ACMG Guidelines, 2015. Collection method: clinical testing. Allele origin: unknown.

Revvity Omics, Revvity
Classification: Pathogenic. Last evaluated: 2019-10-31. Review status: criteria provided, single submitter. Criteria: ACMG Guidelines, 2015. Collection method: clinical testing. Allele origin: germline.

Counsyl
Classification: Pathogenic for Autosomal recessive limb-girdle muscular dystrophy type 2I. Last evaluated: 2017-01-13. Review status: no assertion criteria provided. Collection method: clinical testing. Allele origin: unknown. Not counted in ClinVar's aggregate classification.

Literature cited by the submitters: PubMed 12707425 (cited by 5 submitters); PubMed 20675713 (cited by Natera, Inc.); PubMed 15580560 (cited by 4 submitters); PubMed 19900540 (cited by 3 submitters); PubMed 23591631 (cited by 4 submitters); PubMed 25976249 (cited by Ambry Genetics); PubMed 32342672 (cited by Ambry Genetics); PubMed 28688748 (cited by Women's Health and Genetics/Laboratory Corporation of America, LabCorp).

NM_024301.5(FKRP):c.928G>T (p.Glu310Ter)

Gene: FKRP (fukutin related protein; plus strand). Cytogenetic location: 19q13.32.
Variant type: single nucleotide variant.
Coding change: c.928G>T on transcript NM_024301.5 (MANE Select); coding-DNA position 928, G replaced by T.
Protein change: p.Glu310Ter; replaces glutamic acid 310 with a stop codon.
Molecular consequence: nonsense.
Genome position (GRCh38, 1-based): chr19:46,756,378, G>T. VCF-style: chr19-46756378-G-T. GRCh37 (hg19) VCF-style: chr19-47259635-G-T.
Other names: c.928G>T, p.Glu310Ter (NM_001039885.3); short protein forms E310*.
Identifiers: ClinVar variation 550361 (VCV000550361.26), dbSNP rs765885747, ClinGen allele CA9532212.